The following is an entry in ClinVar:

ClinVar aggregate classification (germline): Likely benign. Review status: criteria provided, multiple submitters, no conflicts (2 of 4 stars). 2 submissions from 2 submitters: Likely benign (2). Last evaluated 2025-10-06.

Allele frequency attached by ClinVar (database versions not stated): gnomAD exomes below 0.00001 and 0.00001; ExAC 0.00001; TOPMed 0.00001.
gnomAD v4.1: 4 of 1,613,962 alleles (0.00025%); highest among the groups gnomAD compares: South Asian, 0.0011%; no homozygotes.

Submissions (2):

Labcorp Genetics (formerly Invitae), Labcorp
Classification: Likely benign. Last evaluated: 2025-10-06. Review status: criteria provided, single submitter. Criteria: Invitae Variant Classification Sherloc (09022015). Collection method: clinical testing. Allele origin: germline.

GeneDx
Classification: Likely benign. Last evaluated: 2016-04-14. Review status: criteria provided, single submitter. Criteria: GeneDx Variant Classification (06012015). Collection method: clinical testing. Allele origin: germline. Affected: yes.
Comment: This variant is considered likely benign or benign based on one or more of the following criteria: it is a conservative change, it occurs at a poorly conserved position in the protein, it is predicted to be benign by multiple in silico algorithms, and/or has population frequency not consistent with disease.

NM_000255.4(MMUT):c.1944C>A (p.Gly648=)

Gene: MMUT (methylmalonyl-CoA mutase; minus strand). Cytogenetic location: 6p12.3.
Variant type: single nucleotide variant.
Coding change: c.1944C>A on transcript NM_000255.4 (MANE Select); coding-DNA position 1944, C replaced by A.
Protein change: p.Gly648=; no amino-acid change (glycine 648 retained).
Molecular consequence: synonymous variant.
Genome position (GRCh38, 1-based): chr6:49,440,218, G>T on the plus strand (C>A on the coding strand, the complement: MMUT is on the minus strand). VCF-style: chr6-49440218-G-T. GRCh37 (hg19) VCF-style: chr6-49407931-G-T.
Identifiers: ClinVar variation 385313 (VCV000385313.9), dbSNP rs758674900, ClinGen allele CA3846708.
Genomic context (GRCh38, chr6:49,440,218, plus strand): 5'-AAGTGACTAGTAAATACTTTTGAAATTCCCCCCAACAGTTTTTAGTACCTGGAAAAGAGG[G>T]CCTATGTCCACATCAAAACCAAGATCAGCAAATCCTGTAGCAATAACTTTTGCTCCTCTG-3'
Protein context (NP_000246.2, residues 638-658): FADLGFDVDI[Gly648=]PLFQTPREVA